The following is an entry in ClinVar:

NM_002303.6(LEPR):c.1547A>G (p.Asn516Ser)

Gene: LEPR (leptin receptor; plus strand). Cytogenetic location: 1p31.3.
Variant type: single nucleotide variant.
Coding change: c.1547A>G on transcript NM_002303.6 (MANE Select); coding-DNA position 1547, A replaced by G.
Protein change: p.Asn516Ser; replaces asparagine 516 with serine.
Molecular consequence: missense variant.
Genome position (GRCh38, 1-based): chr1:65,605,181, A>G. VCF-style: chr1-65605181-A-G. GRCh37 (hg19) VCF-style: chr1-66070864-A-G.
Other names: c.1547A>G, p.Asn516Ser (NM_001003679.3, NM_001003680.3, NM_001198687.2 and 2 more transcripts); c.1547A>G (NM_002303.5); short protein forms N516S.
Identifiers: ClinVar variation 1375270 (VCV001375270.7), dbSNP rs777686207, ClinGen allele CA894825.
Genomic context (GRCh38, chr1:65,605,181, plus strand): 5'-ATGAATGCATTTTCCAGCCAATCTTCCTATTATCTGGCTACACAATGTGGATTAGGATCA[A>G]TCACTCTCTAGGTTCACTTGACTCTCCACCAACATGTGTCCTTCCTGATTCTGTGGGTAT-3'
Protein context (NP_002294.2, residues 506-526): LSGYTMWIRI[Asn516Ser]HSLGSLDSPP

ClinVar aggregate classification (germline): Uncertain significance. Review status: criteria provided, multiple submitters, no conflicts (2 of 4 stars). 2 submissions from 2 submitters: Uncertain significance (2). Last evaluated 2025-09-22.

Conditions:
LEPR-related disorder. Also called: LEPR-related condition; LEPR-related disorders.

Allele frequency attached by ClinVar (database versions not stated): gnomAD exomes below 0.00001; TOPMed below 0.00001; ExAC 0.00001; gnomAD 0.00001.
gnomAD v4.1: 9 of 1,613,984 alleles (0.00056%); highest among the groups gnomAD compares: African/African-American, 0.0013%; no homozygotes.

Submissions (2):

PreventionGenetics, part of Exact Sciences
Classification: Uncertain significance for LEPR-related condition. Last evaluated: 2025-09-22. Review status: criteria provided, single submitter. Criteria: ACMG Guidelines, 2015. Collection method: clinical testing. Allele origin: germline.
Comment: The LEPR c.1547A>G variant is predicted to result in the amino acid substitution p.Asn516Ser. To our knowledge, this variant has not been reported in the literature. This variant is reported in 0.0015% of alleles in individuals of European (Non-Finnish) descent in gnomAD. At this time, the clinical significance of this variant is uncertain due to the absence of conclusive functional and genetic evidence.

Labcorp Genetics (formerly Invitae), Labcorp
Classification: Uncertain significance. Last evaluated: 2025-08-04. Review status: criteria provided, single submitter. Criteria: Invitae Variant Classification Sherloc (09022015). Collection method: clinical testing. Allele origin: germline.
Comment: This sequence change replaces asparagine, which is neutral and polar, with serine, which is neutral and polar, at codon 516 of the LEPR protein (p.Asn516Ser). This variant is present in population databases (rs777686207, gnomAD 0.002%). This variant has not been reported in the literature in individuals affected with LEPR-related conditions. ClinVar contains an entry for this variant (Variation ID: 1375270). Invitae Evidence Modeling of protein sequence and biophysical properties (such as structural, functional, and spatial information, amino acid conservation, physicochemical variation, residue mobility, and thermodynamic stability) indicates that this missense variant is not expected to disrupt LEPR protein function with a negative predictive value of 80%. In summary, the available evidence is currently insufficient to determine the role of this variant in disease. Therefore, it has been classified as a Variant of Uncertain Significance.